The following is an entry in ClinVar:

NM_000179.3(MSH6):c.2807A>T (p.Asp936Val)

Gene: MSH6 (mutS homolog 6; plus strand). Cytogenetic location: 2p16.3.
Variant type: single nucleotide variant.
Coding change: c.2807A>T on transcript NM_000179.3 (MANE Select); coding-DNA position 2807, A replaced by T.
Protein change: p.Asp936Val; replaces aspartic acid 936 with valine.
Molecular consequence: missense variant. On other transcripts: non-coding transcript variant (5), intron variant (2).
Genome position (GRCh38, 1-based): chr2:47,800,790, A>T. VCF-style: chr2-47800790-A-T. GRCh37 (hg19) VCF-style: chr2-48027929-A-T.
Other names: c.2510A>T, p.Asp837Val (NM_001406818.1, NM_001406819.1, NM_001406820.1 and 10 more transcripts); c.1901A>T, p.Asp634Val (NM_001406823.1, NM_001281493.2, NM_001281494.2 and 6 more transcripts); c.2639A>T, p.Asp880Val (NM_001406826.1); c.2417A>T, p.Asp806Val (NM_001281492.2); c.2903A>T, p.Asp968Val (NM_001406795.1, NM_001406802.1); c.2807A>T, p.Asp936Val (NM_001406796.1, NM_001406798.1, NM_001406800.1 and 2 more transcripts); c.2282A>T, p.Asp761Val (NM_001406799.1, NM_001406806.1, NM_001406807.1); c.2729A>T, p.Asp910Val (NM_001406804.1); and 4 more; short protein forms D634V, D806V, D837V, D251V, D761V, D910V, D936V, D938V.
Identifiers: ClinVar variation 4111194 (VCV004111194.1).

ClinVar aggregate classification (germline): Uncertain significance (1 of 4 stars; one submission).

Conditions:
Hereditary cancer-predisposing syndrome. Also called: Tumor predisposition; Neoplastic Syndromes, Hereditary; Hereditary neoplastic syndrome; Hereditary Cancer Syndrome. Identifiers: Orphanet 140162, MedGen C0027672, MeSH D009386, MONDO:0015356.

Submission:

Ambry Genetics
Classification: Uncertain significance for Hereditary cancer-predisposing syndrome. Last evaluated: 2025-06-18. Review status: criteria provided, single submitter. Criteria: Ambry Variant Classification Scheme 2023. Collection method: clinical testing. Allele origin: germline.
Comment: The p.D936V variant (also known as c.2807A>T), located in coding exon 4 of the MSH6 gene, results from an A to T substitution at nucleotide position 2807. The aspartic acid at codon 936 is replaced by valine, an amino acid with highly dissimilar properties. This amino acid position is conserved. In addition, this alteration is predicted to be deleterious by in silico analysis. Based on the available evidence, the clinical significance of this variant remains unclear.